The following is an entry in ClinVar:

NM_000089.4(COL1A2):c.4058A>G (p.Asp1353Gly)

Gene: COL1A2 (collagen type I alpha 2 chain; plus strand). Cytogenetic location: 7q21.3.
Variant type: single nucleotide variant.
Coding change: c.4058A>G on transcript NM_000089.4 (MANE Select); coding-DNA position 4058, A replaced by G.
Protein change: p.Asp1353Gly; replaces aspartic acid 1353 with glycine.
Molecular consequence: missense variant.
Genome position (GRCh38, 1-based): chr7:94,430,350, A>G. VCF-style: chr7-94430350-A-G. GRCh37 (hg19) VCF-style: chr7-94059662-A-G.
Other names: short protein forms D1353G.
Identifiers: ClinVar variation 3230288 (VCV003230288.1), dbSNP rs1792373209, ClinGen allele CA368227352.

ClinVar aggregate classification (germline): Uncertain significance (1 of 4 stars; one submission).

Conditions:
Cardiovascular phenotype. Identifiers: MedGen CN230736.

Allele frequency attached by ClinVar (database versions not stated): TOPMed below 0.00001.

Submission:

Ambry Genetics
Classification: Uncertain significance for Cardiovascular phenotype. Last evaluated: 2023-10-10. Review status: criteria provided, single submitter. Criteria: Ambry Variant Classification Scheme 2023. Collection method: clinical testing. Allele origin: germline.
Comment: The p.D1353G variant (also known as c.4058A>G), located in coding exon 52 of the COL1A2 gene, results from an A to G substitution at nucleotide position 4058. The aspartic acid at codon 1353 is replaced by glycine, an amino acid with similar properties. This amino acid position is well conserved in available vertebrate species. In addition, the in silico prediction for this alteration is inconclusive. Since supporting evidence is limited at this time, the clinical significance of this alteration remains unclear.